The following is an entry in ClinVar:

ClinVar aggregate classification (germline): Uncertain significance. Review status: criteria provided, multiple submitters, no conflicts (2 of 4 stars). 2 submissions from 2 submitters: Uncertain significance (2). Last evaluated 2022-04-09.

Conditions:
Inborn genetic diseases. Identifiers: MedGen C0950123, MeSH D030342.

Allele frequency attached by ClinVar (database versions not stated): TOPMed 0.00002; gnomAD exomes 0.00003; ExAC 0.00004; gnomAD 0.00005; ESP Exome Variant Server 0.00015.
gnomAD v4.1: 49 of 1,596,744 alleles (0.0031%); highest among the groups gnomAD compares: Admixed American, 0.0087%; no homozygotes.

Submissions (2):

Labcorp Genetics (formerly Invitae), Labcorp
Classification: Uncertain significance. Last evaluated: 2022-04-09. Review status: criteria provided, single submitter. Criteria: Invitae Variant Classification Sherloc (09022015). Collection method: clinical testing. Allele origin: germline.
Comment: This sequence change replaces proline, which is neutral and non-polar, with leucine, which is neutral and non-polar, at codon 194 of the LTBP2 protein (p.Pro194Leu). The frequency data for this variant in the population databases is considered unreliable, as metrics indicate poor data quality at this position in the gnomAD database. This variant has not been reported in the literature in individuals affected with LTBP2-related conditions. Algorithms developed to predict the effect of missense changes on protein structure and function (SIFT, PolyPhen-2, Align-GVGD) all suggest that this variant is likely to be disruptive. In summary, the available evidence is currently insufficient to determine the role of this variant in disease. Therefore, it has been classified as a Variant of Uncertain Significance.

Ambry Genetics
Classification: Uncertain significance for Inborn genetic diseases. Last evaluated: 2022-01-10. Review status: criteria provided, single submitter. Criteria: Ambry Variant Classification Scheme 2023. Collection method: clinical testing. Allele origin: germline.

NM_000428.3(LTBP2):c.581C>T (p.Pro194Leu)

Gene: LTBP2 (latent transforming growth factor beta binding protein 2; minus strand). Cytogenetic location: 14q24.3.
Variant type: single nucleotide variant.
Coding change: c.581C>T on transcript NM_000428.3 (MANE Select); coding-DNA position 581, C replaced by T.
Protein change: p.Pro194Leu; replaces proline 194 with leucine.
Molecular consequence: missense variant.
Genome position (GRCh38, 1-based): chr14:74,586,103, G>A on the plus strand (C>T on the coding strand, the complement: LTBP2 is on the minus strand). VCF-style: chr14-74586103-G-A. GRCh37 (hg19) VCF-style: chr14-75052806-G-A.
Other names: c.581C>T (NM_000428.2); short protein forms P194L.
Identifiers: ClinVar variation 2178632 (VCV002178632.2), dbSNP rs377678370, ClinGen allele CA7270135.
Genomic context (GRCh38, chr14:74,586,103, plus strand): 5'-CGGAAACCAGAGCGGCAGACACAGAGCTGCGGGCGGCTGCAGGAGCCCCGGTTCTGGCAC[G>A]GCGGCTCGCAAACGGCTGAGGACACAGGGAGAGAGGTGACAGCAGTGGCCATAGGGCACT-3'
Protein context (NP_000419.1, residues 184-204): NHCIKPVCEP[Pro194Leu]CQNRGSCSRP